The following is an entry in ClinVar:

NC_000016.9:g.(?_58579245)_(58581606_?)del

Gene: CNOT1 (CCR4-NOT transcription complex subunit 1; minus strand). Cytogenetic location: 16q21.
Variant type: Deletion.
Identifiers: ClinVar variation 2424032 (VCV002424032.3).

ClinVar aggregate classification (germline): Uncertain significance (1 of 4 stars; one submission).

Submission:

Labcorp Genetics (formerly Invitae), Labcorp
Classification: Uncertain significance. Last evaluated: 2022-05-11. Review status: criteria provided, single submitter. Criteria: Invitae Variant Classification Sherloc (09022015). Collection method: clinical testing. Allele origin: germline.
Comment: Experimental studies and prediction algorithms are not available or were not evaluated, and the functional significance of this variant is currently unknown. This variant has not been reported in the literature in individuals affected with CNOT1-related conditions. This variant is a gross deletion of the genomic region encompassing exon(s) 26-30 of the CNOT1 gene. This variant would be expected to be in-frame, preserving the integrity of the reading frame. In summary, the available evidence is currently insufficient to determine the role of this variant in disease. Therefore, it has been classified as a Variant of Uncertain Significance.